The following is an entry in ClinVar:

NM_002299.4(LCT):c.2807C>T (p.Thr936Ile)

Gene: LCT (lactase; minus strand). Cytogenetic location: 2q21.3.
Variant type: single nucleotide variant.
Coding change: c.2807C>T on transcript NM_002299.4 (MANE Select); coding-DNA position 2807, C replaced by T.
Protein change: p.Thr936Ile; replaces threonine 936 with isoleucine.
Molecular consequence: missense variant.
Genome position (GRCh38, 1-based): chr2:135,809,540, G>A on the plus strand (C>T on the coding strand, the complement: LCT is on the minus strand). VCF-style: chr2-135809540-G-A. GRCh37 (hg19) VCF-style: chr2-136567110-G-A.
Other names: short protein forms T936I.
Identifiers: ClinVar variation 4742536 (VCV004742536.1).

ClinVar aggregate classification (germline): Uncertain significance (1 of 4 stars; one submission).

Submission:

Labcorp Genetics (formerly Invitae), Labcorp
Classification: Uncertain significance. Last evaluated: 2025-09-07. Review status: criteria provided, single submitter. Criteria: Invitae Variant Classification Sherloc (09022015). Collection method: clinical testing. Allele origin: germline.
Comment: This sequence change replaces threonine, which is neutral and polar, with isoleucine, which is neutral and non-polar, at codon 936 of the LCT protein (p.Thr936Ile). This variant is not present in population databases (gnomAD no frequency). This variant has not been reported in the literature in individuals affected with LCT-related conditions. Invitae Evidence Modeling of protein sequence and biophysical properties (such as structural, functional, and spatial information, amino acid conservation, physicochemical variation, residue mobility, and thermodynamic stability) indicates that this missense variant is not expected to disrupt LCT protein function with a negative predictive value of 80%. In summary, the available evidence is currently insufficient to determine the role of this variant in disease. Therefore, it has been classified as a Variant of Uncertain Significance.